The following is an entry in ClinVar:

ClinVar aggregate classification (germline): Likely pathogenic (1 of 4 stars; one submission).

Submission:

Labcorp Genetics (formerly Invitae), Labcorp
Classification: Likely pathogenic. Last evaluated: 2023-08-17. Review status: criteria provided, single submitter. Criteria: Invitae Variant Classification Sherloc (09022015). Collection method: clinical testing. Allele origin: germline.
Comment: In summary, the currently available evidence indicates that the variant is pathogenic, but additional data are needed to prove that conclusively. Therefore, this variant has been classified as Likely Pathogenic. This variant has not been reported in the literature in individuals affected with C3-related conditions. This variant results in a copy number gain of the genomic region encompassing exon(s) 20-26 of the C3 gene. While the exact position of this variant cannot be determined from the data, sub-genic copy number gains are generally in tandem (PMID: 25640679). This variant is predicted to be out-of-frame, and may result in an absent or disrupted protein product. Loss-of-function variants in C3 are known to be pathogenic (PMID: 12462331, 14639503, 21501302).

Literature cited by the submitters: PubMed 25640679; PubMed 12462331; PubMed 14639503; PubMed 21501302.

NC_000019.9:g.(?_6692915)_(6697825_?)dup

Gene: C3 (complement C3; minus strand). Cytogenetic location: 19p13.3.
Variant type: Duplication.
Identifiers: ClinVar variation 2422290 (VCV002422290.4).